The following is an entry in ClinVar:

NM_004260.4(RECQL4):c.1091T>C (p.Val364Ala)

Gene: RECQL4 (RecQ like helicase 4; minus strand). Cytogenetic location: 8q24.3.
Variant type: single nucleotide variant.
Coding change: c.1091T>C on transcript NM_004260.4 (MANE Select); coding-DNA position 1091, T replaced by C.
Protein change: p.Val364Ala; replaces valine 364 with alanine.
Molecular consequence: missense variant. On other transcripts: 5 prime UTR variant (6), non-coding transcript variant (3).
Genome position (GRCh38, 1-based): chr8:144,516,028, A>G on the plus strand (T>C on the coding strand, the complement: RECQL4 is on the minus strand). VCF-style: chr8-144516028-A-G. GRCh37 (hg19) VCF-style: chr8-145741412-A-G.
Other names: c.1091T>C (NM_004260.3); c.962T>C, p.Val321Ala (NM_001413025.1); c.-43T>C (NM_001413027.1, NM_001413030.1, NM_001413031.1 and 2 more transcripts); c.20T>C, p.Val7Ala (NM_001413028.1, NM_001413034.1, NM_001413035.1 and 8 more transcripts); c.740T>C, p.Val247Ala (NM_001413029.1); c.1091T>C, p.Val364Ala (NM_001413033.1, NM_001413036.1, NM_001413039.1 and 2 more transcripts); c.-250T>C (NM_001413043.1); c.995T>C, p.Val332Ala (NM_001413017.1, NM_001413020.1); short protein forms V332A, V321A, V364A, V247A, V7A.
Identifiers: ClinVar variation 2797805 (VCV002797805.4), dbSNP rs1828135021, ClinGen allele CA372688078.

ClinVar aggregate classification (germline): Uncertain significance. Review status: criteria provided, multiple submitters, no conflicts (2 of 4 stars). 2 submissions from 2 submitters: Uncertain significance (2). Last evaluated 2024-12-07.

Conditions:
Inborn genetic diseases. Identifiers: MedGen C0950123, MeSH D030342.
Baller-Gerold syndrome (BGS). Also called: CRANIOSYNOSTOSIS WITH RADIAL DEFECTS. Identifiers: Orphanet 1225, MedGen C0265308, MONDO:0009039, OMIM 218600.

Allele frequency attached by ClinVar (database versions not stated): gnomAD 0.00001.
gnomAD v4.1: 2 of 1,611,428 alleles (0.00012%); highest among the groups gnomAD compares: African/African-American, 0.0027%; no homozygotes.

Submissions (2):

Ambry Genetics
Classification: Uncertain significance for Inborn genetic diseases. Last evaluated: 2024-12-07. Review status: criteria provided, single submitter. Criteria: Ambry Variant Classification Scheme 2023. Collection method: clinical testing. Allele origin: germline.
Comment: The p.V364A variant (also known as c.1091T>C), located in coding exon 5 of the RECQL4 gene, results from a T to C substitution at nucleotide position 1091. The valine at codon 364 is replaced by alanine, an amino acid with similar properties. This amino acid position is conserved. In addition, this alteration is predicted to be tolerated by in silico analysis. Based on the available evidence, the clinical significance of this variant remains unclear.

Labcorp Genetics (formerly Invitae), Labcorp
Classification: Uncertain significance for Baller-Gerold syndrome. Last evaluated: 2023-12-28. Review status: criteria provided, single submitter. Criteria: Invitae Variant Classification Sherloc (09022015). Collection method: clinical testing. Allele origin: germline.
Comment: This sequence change replaces valine, which is neutral and non-polar, with alanine, which is neutral and non-polar, at codon 364 of the RECQL4 protein (p.Val364Ala). This variant is not present in population databases (gnomAD no frequency). This variant has not been reported in the literature in individuals affected with RECQL4-related conditions. Advanced modeling of protein sequence and biophysical properties (such as structural, functional, and spatial information, amino acid conservation, physicochemical variation, residue mobility, and thermodynamic stability) performed at Invitae indicates that this missense variant is not expected to disrupt RECQL4 protein function with a negative predictive value of 80%. In summary, the available evidence is currently insufficient to determine the role of this variant in disease. Therefore, it has been classified as a Variant of Uncertain Significance.